The following is an entry in ClinVar:

ClinVar aggregate classification (germline): Conflicting classifications of pathogenicity. Review status: criteria provided, conflicting classifications (1 of 4 stars). 3 submissions from 3 submitters: Uncertain significance (2); Likely benign (1). Last evaluated 2026-01-27.

Conditions:
Familial thoracic aortic aneurysm and aortic dissection (TAAD). Also called: Thoracic aortic aneurysms and dissections. Identifiers: Orphanet 91387, MedGen C4707243, MONDO:0019625.
Congenital contractural arachnodactyly (CCA). Also called: Beals-Hecht syndrome; BEALS SYNDROME; Arthrogryposis, distal, type 9. Identifiers: Orphanet 115, MedGen C0220668, MONDO:0007363, OMIM 121050.

Allele frequency attached by ClinVar (database versions not stated): ExAC 0.00001; gnomAD 0.00001; gnomAD exomes 0.00001; TOPMed 0.00001.
gnomAD v4.1: 62 of 1,613,722 alleles (0.0038%); highest among the groups gnomAD compares: Non-Finnish European, 0.005%; no homozygotes.

Submissions (3):

Labcorp Genetics (formerly Invitae), Labcorp
Classification: Likely benign for Congenital contractural arachnodactyly. Last evaluated: 2026-01-27. Review status: criteria provided, single submitter. Criteria: Invitae Variant Classification Sherloc (09022015). Collection method: clinical testing. Allele origin: germline.

Ambry Genetics
Classification: Uncertain significance for Familial thoracic aortic aneurysm and aortic dissection. Last evaluated: 2025-11-06. Review status: criteria provided, single submitter. Criteria: Ambry Variant Classification Scheme 2023. Collection method: clinical testing. Allele origin: germline.
Comment: The p.K1097T variant (also known as c.3290A>C), located in coding exon 25 of the FBN2 gene, results from an A to C substitution at nucleotide position 3290. The lysine at codon 1097 is replaced by threonine, an amino acid with similar properties. This amino acid position is well conserved in available vertebrate species. In addition, the in silico prediction for this alteration is inconclusive. Based on the available evidence, the clinical significance of this variant remains unclear.

GeneDx
Classification: Uncertain significance. Last evaluated: 2020-12-14. Review status: criteria provided, single submitter. Criteria: GeneDx Variant Classification Process June 2021. Collection method: clinical testing. Allele origin: germline. Affected: yes.
Comment: Has not been previously published as pathogenic or benign to our knowledge; Not observed at a significant frequency in large population cohorts (Lek et al., 2016); In silico analysis supports that this missense variant has a deleterious effect on protein structure/function; Although located in a calcium-binding EGF-like domain of the FBN2 gene, it does not affect a cysteine residue within this domain; cysteine substitutions in the calcium-binding EGF-like domains represent the majority of pathogenic missense changes associated with FBN2-related disorders (Frederic et al., 2009); Reported in ClinVar as a variant of uncertain significance (ClinVar Variant ID# 458756; Landrum et al., 2016)

NM_001999.4(FBN2):c.3290A>C (p.Lys1097Thr)

Gene: FBN2 (fibrillin 2; minus strand). Cytogenetic location: 5q23.3.
Variant type: single nucleotide variant.
Coding change: c.3290A>C on transcript NM_001999.4 (MANE Select); coding-DNA position 3290, A replaced by C.
Protein change: p.Lys1097Thr; replaces lysine 1097 with threonine.
Molecular consequence: missense variant.
Genome position (GRCh38, 1-based): chr5:128,344,438, T>G on the plus strand (A>C on the coding strand, the complement: FBN2 is on the minus strand). VCF-style: chr5-128344438-T-G. GRCh37 (hg19) VCF-style: chr5-127680130-T-G.
Other names: short protein forms K1097T.
Identifiers: ClinVar variation 458756 (VCV000458756.11), dbSNP rs765437414, ClinGen allele CA3395275.